The following is an entry in ClinVar:

NM_001379500.1(COL18A1):c.3048GCCCCCTGG[4] (p.1011PPG[6])

Genes: COL18A1 (collagen type XVIII alpha 1 chain; plus strand), SLC19A1 (solute carrier family 19 member 1; minus strand). Cytogenetic location: 21q22.3.
Variant type: Microsatellite.
Coding change: c.3048GCCCCCTGG[4] on transcript NM_001379500.1 (MANE Select); four copies in a row of the 9-base unit GCCCCCTGG starting at c.3048; the reference has two copies in a row; two copies, 18 bases duplicated.
Protein change: p.1011PPG[6].
Molecular consequence: inframe insertion.
Genome position (GRCh38, 1-based): chr21:45,505,392-45,505,409, GCCCCCTGGGCCCCCTGG duplicated; duplicating any 18 consecutive bases within chr21:45,505,384-45,505,409 gives the same sequence; the position shown is the placement nearest the transcript's 3' end. VCF-style (leftmost placement, unchanged base first): chr21-45505383-C-CCCCCCTGGGCCCCCTGGG. GRCh37 (hg19) VCF-style: chr21-46925297-C-CCCCCCTGGGCCCCCTGGG.
Other names: c.3579GCCCCCTGG[4], p.1188PPG[6] (NM_030582.4); c.4284GCCCCCTGG[4], p.1423PPG[6] (NM_130444.3).
Identifiers: ClinVar variation 1470557 (VCV001470557.3), dbSNP rs571597296, ClinGen allele CA638168058.

ClinVar aggregate classification (germline): Uncertain significance (1 of 4 stars; one submission).

Submission:

Labcorp Genetics (formerly Invitae), Labcorp
Classification: Uncertain significance. Last evaluated: 2021-06-26. Review status: criteria provided, single submitter. Criteria: Invitae Variant Classification Sherloc (09022015). Collection method: clinical testing. Allele origin: germline.
Comment: This variant, c.3039_3056dup, results in the insertion of 6 amino acid(s) to the COL18A1 protein (p.Pro1014_Gly1019dup), but otherwise preserves the integrity of the reading frame. This variant is not present in population databases (ExAC no frequency). This variant has not been reported in the literature in individuals affected with COL18A1-related conditions. Experimental studies and prediction algorithms are not available or were not evaluated, and the functional significance of this variant is currently unknown. In summary, the available evidence is currently insufficient to determine the role of this variant in disease. Therefore, it has been classified as a Variant of Uncertain Significance.